The following is an entry in ClinVar:

ClinVar aggregate classification (germline): Likely benign (0 of 4 stars; one submission).

Conditions:
DAGLA-related disorder. Also called: DAGLA-related condition.

Allele frequency attached by ClinVar (database versions not stated): gnomAD 0.00003; ExAC 0.00004; 1000 Genomes Project 0.00020; 1000 Genomes Project 30x 0.00031.
gnomAD v4.1: 38 of 1,613,568 alleles (0.0024%); highest among the groups gnomAD compares: Middle Eastern, 0.033%; no homozygotes.

Submission:

PreventionGenetics, part of Exact Sciences
Classification: Likely benign for DAGLA-related condition. Last evaluated: 2019-06-13. Review status: no assertion criteria provided. Collection method: clinical testing. Allele origin: germline.
Comment: This variant is classified as likely benign based on ACMG/AMP sequence variant interpretation guidelines (Richards et al. 2015 PMID: 25741868, with internal and published modifications).

NM_006133.3(DAGLA):c.246C>T (p.Arg82=)

Gene: DAGLA (diacylglycerol lipase alpha; plus strand). Cytogenetic location: 11q12.2.
Variant type: single nucleotide variant.
Coding change: c.246C>T on transcript NM_006133.3 (MANE Select); coding-DNA position 246, C replaced by T.
Protein change: p.Arg82=; no amino-acid change (arginine 82 retained).
Molecular consequence: synonymous variant.
Genome position (GRCh38, 1-based): chr11:61,720,829, C>T. VCF-style: chr11-61720829-C-T. GRCh37 (hg19) VCF-style: chr11-61488301-C-T.
Identifiers: ClinVar variation 3033512 (VCV003033512.2), dbSNP rs201994401, ClinGen allele CA6036492.